The following is an entry in ClinVar:

NM_015681.6(B9D1):c.505CTC[1] (p.Leu170del)

Gene: B9D1 (B9 domain containing 1; minus strand). Cytogenetic location: 17p11.2.
Variant type: Microsatellite.
Coding change: c.505CTC[1] on transcript NM_015681.6 (MANE Select); one copy of the 3-base unit CTC starting at c.505; the reference has two copies in a row; one copy, 3 bases deleted; also written c.508_510del.
Protein change: p.Leu170del; deletes leucine 170.
Molecular consequence: inframe deletion. On other transcripts: 3 prime UTR variant (2), intron variant (4).
Genome position (GRCh38, 1-based): chr17:19,343,424-19,343,426, GAG deleted on the plus strand (CTC on the coding strand, the reverse complement: B9D1 is on the minus strand); deleting any 3 consecutive bases within chr17:19,343,424-19,343,430 gives the same sequence; the position shown is the placement nearest the transcript's 3' end. VCF-style (leftmost placement, unchanged base first): chr17-19343423-AGAG-A. GRCh37 (hg19) VCF-style: chr17-19246736-AGAG-A.
Other names: c.*30CTC[1] (NM_001321214.2); c.*281CTC[1] (NM_001321215.3); c.112+364_112+366del (NM_001368769.2); c.404+3843_404+3845del (NM_001321219.2); c.472+364_472+366del (NM_001321218.2, NM_001321217.2); c.508_510delCTC (NM_015681.6); c.508_510del (NM_015681.6, NM_015681.5); short protein forms L170del.
Identifiers: ClinVar variation 2073172 (VCV002073172.8), dbSNP rs1281113061, ClinGen allele CA625319191.

ClinVar aggregate classification (germline): Uncertain significance. Review status: criteria provided, multiple submitters, no conflicts (2 of 4 stars). 4 submissions from 4 submitters: Uncertain significance (4). Last evaluated 2024-09-22.

Conditions:
Meckel syndrome, type 9 (MKS9). Identifiers: Orphanet 564, MedGen C3280155, MONDO:0013630, OMIM 614209.
Joubert syndrome. Also called: CEREBELLOPARENCHYMAL DISORDER IV; JOUBERT-BOLTSHAUSER SYNDROME; Familial aplasia of the vermis. Identifiers: Orphanet 475, MedGen C5979921, MONDO:0018772.
Meckel-Gruber syndrome. Also called: DYSENCEPHALIA SPLANCHNOCYSTICA; GRUBER SYNDROME; Dysencephalia splachnocystica. Identifiers: Orphanet 564, MedGen C0265215, MONDO:0018921.

Submissions (4):

Genomic Medicine Center of Excellence, King Faisal Specialist Hospital and Research Centre
Classification: Uncertain significance for Meckel syndrome, type 9. Last evaluated: 2024-09-22. Review status: criteria provided, single submitter. Criteria: ACMG Guidelines, 2015. Collection method: clinical testing. Allele origin: germline.

Women's Health and Genetics/Laboratory Corporation of America, LabCorp
Classification: Uncertain significance. Last evaluated: 2023-12-07. Review status: criteria provided, single submitter. Criteria: LabCorp Variant Classification Summary - May 2015. Collection method: clinical testing. Allele origin: germline.
Comment: Variant summary: B9D1 c.508_510delCTC (p.Leu170del) results in an in-frame deletion that is predicted to remove one amino acid from the encoded protein. The variant allele was found at a frequency of 2.4e-05 in 251088 control chromosomes. c.508_510delCTC has been reported in the literature in at least one homozygous fetus affected with Joubert Syndrome And Related Disorders (e.g. Al-Hamed_2016). These data indicate that the variant may be associated with disease. To our knowledge, no experimental evidence demonstrating an impact on protein function has been reported. The following publication has been ascertained in the context of this evaluation (PMID: 26862157). One submitter has cited clinical-significance assessments for this variant to ClinVar after 2014 and has classified the variant as uncertain significance. Based on the evidence outlined above, the variant was classified as VUS-possibly pathogenic.

Labcorp Genetics (formerly Invitae), Labcorp
Classification: Uncertain significance for Joubert syndrome; Meckel-Gruber syndrome. Last evaluated: 2022-01-14. Review status: criteria provided, single submitter. Criteria: Invitae Variant Classification Sherloc (09022015). Collection method: clinical testing. Allele origin: germline.
Comment: In summary, the available evidence is currently insufficient to determine the role of this variant in disease. Therefore, it has been classified as a Variant of Uncertain Significance. This variant, c.508_510del, results in the deletion of 1 amino acid(s) of the B9D1 protein (p.Leu170del), but otherwise preserves the integrity of the reading frame. This variant is present in population databases (no rsID available, gnomAD 0.02%). This variant has been observed in individual(s) with Joubert syndrome (PMID: 26862157). Experimental studies and prediction algorithms are not available or were not evaluated, and the functional significance of this variant is currently unknown.

Neuberg Centre For Genomic Medicine, NCGM
Classification: Uncertain significance for Meckel syndrome, type 9. Review status: criteria provided, single submitter. Criteria: ACMG Guidelines, 2015. Collection method: clinical testing. Allele origin: germline. Inheritance: Autosomal recessive inheritance. Affected: yes.

Literature cited by the submitters: PubMed 26862157 (cited by Women's Health and Genetics/Laboratory Corporation of America, LabCorp and Labcorp Genetics (formerly Invitae), Labcorp).